The following is an entry in ClinVar:

NM_017415.3(KLHL3):c.*4006C>T

Gene: KLHL3 (kelch like family member 3; minus strand). Cytogenetic location: 5q31.2.
Variant type: single nucleotide variant.
Coding change: c.*4006C>T on transcript NM_017415.3 (MANE Select); 4006 bases downstream of the stop codon, C replaced by T.
Molecular consequence: 3 prime UTR variant.
Genome position (GRCh38, 1-based): chr5:137,618,092, G>A on the plus strand (C>T on the coding strand, the complement: KLHL3 is on the minus strand). VCF-style: chr5-137618092-G-A. GRCh37 (hg19) VCF-style: chr5-136953781-G-A.
Other names: c.*4006C>T (NM_001257194.1, NM_001257195.2).
Identifiers: ClinVar variation 350926 (VCV000350926.6), dbSNP rs150624383, ClinGen allele CA10619053.
Genomic context (GRCh38, chr5:137,618,092, plus strand): 5'-GGCTATGAGGCTGTAATTATCCACTACAGAAGAAATCTCTTCCATTCCCAAATGCTGGAA[G>A]TGCTGCTGGCTCTCCTGCTTGGTCAGTAGAAACACAGCACAGCTGAACATGAGGGGCTTA-3'

ClinVar aggregate classification (germline): Benign (1 of 4 stars; one submission).

Conditions:
Pseudohypoaldosteronism type 2D (PHA2D). Also called: FAMILIAL HYPERKALEMIC HYPERTENSION; PSEUDOHYPOALDOSTERONISM, TYPE IID, AUTOSOMAL DOMINANT OR RECESSIVE; Pseudohypoaldosteronism Type IID. Identifiers: Orphanet 300525, Orphanet 757, MedGen C3469605, MONDO:0013781, OMIM 614495.

Allele frequency attached by ClinVar (database versions not stated): gnomAD 0.00029 and 0.00042; TOPMed 0.00053; 1000 Genomes Project 30x 0.00219; 1000 Genomes Project 0.00220.

Submission:

Illumina Laboratory Services, Illumina
Classification: Benign for Pseudohypoaldosteronism type 2D. Last evaluated: 2018-01-12. Review status: criteria provided, single submitter. Criteria: ICSL Variant Classification Criteria 13 December 2019. Collection method: clinical testing. Allele origin: germline.
Comment: This variant was observed in the ICSL laboratory as part of a predisposition screen in an ostensibly healthy population. It had not been previously curated by ICSL or reported in the Human Gene Mutation Database (HGMD: prior to June 1st, 2018), and was therefore a candidate for classification through an automated scoring system. Utilizing variant allele frequency, disease prevalence and penetrance estimates, and inheritance mode, an automated score was calculated to assess if this variant is too frequent to cause the disease. Based on the score and internal cut-off values, a variant classified as benign is not then subjected to further curation. The score for this variant resulted in a classification of benign for this disease.